The following is an entry in ClinVar:

NM_139281.3(WDR36):c.1795T>G (p.Cys599Gly)

Gene: WDR36 (WD repeat domain 36; plus strand). Cytogenetic location: 5q22.1.
Variant type: single nucleotide variant.
Coding change: c.1795T>G on transcript NM_139281.3 (MANE Select); coding-DNA position 1795, T replaced by G.
Protein change: p.Cys599Gly; replaces cysteine 599 with glycine.
Molecular consequence: missense variant.
Genome position (GRCh38, 1-based): chr5:111,113,152, T>G. VCF-style: chr5-111113152-T-G. GRCh37 (hg19) VCF-style: chr5-110448851-T-G.
Other names: short protein forms C599G.
Identifiers: ClinVar variation 3634718 (VCV003634718.2), dbSNP rs147964188.

ClinVar aggregate classification (germline): Uncertain significance (1 of 4 stars; one submission).

Allele frequency attached by ClinVar (database versions not stated): ExAC 0.00037; gnomAD 0.00003; TOPMed 0.00010; ESP Exome Variant Server 0.00031; gnomAD exomes 0.00031.
gnomAD v4.1: 416 of 1,579,512 alleles (0.026%); highest among the groups gnomAD compares: South Asian, 0.21%; 3 homozygotes.

Submission:

Labcorp Genetics (formerly Invitae), Labcorp
Classification: Uncertain significance. Last evaluated: 2025-01-14. Review status: criteria provided, single submitter. Criteria: Invitae Variant Classification Sherloc (09022015). Collection method: clinical testing. Allele origin: germline.
Comment: This sequence change replaces cysteine, which is neutral and slightly polar, with glycine, which is neutral and non-polar, at codon 655 of the WDR36 protein (p.Cys655Gly). This variant is present in population databases (rs147964188, gnomAD 0.2%), and has an allele count higher than expected for a pathogenic variant. This variant has not been reported in the literature in individuals affected with WDR36-related conditions. An algorithm developed to predict the effect of missense changes on protein structure and function (PolyPhen-2) suggests that this variant is likely to be tolerated. In summary, the available evidence is currently insufficient to determine the role of this variant in disease. Therefore, it has been classified as a Variant of Uncertain Significance.